The following is an entry in ClinVar:

ClinVar aggregate classification (germline): Uncertain significance (1 of 4 stars; one submission).

Conditions:
Alstrom syndrome (ALMS). Identifiers: Orphanet 64, MedGen C0268425, MONDO:0008763, OMIM 203800.

Allele frequency attached by ClinVar (database versions not stated): gnomAD exomes below 0.00001; gnomAD 0.00001; TOPMed 0.00001.
gnomAD v4.1: 2 of 1,613,946 alleles (0.00012%); highest among the groups gnomAD compares: Admixed American, 0.0017%; no homozygotes.

Submission:

Labcorp Genetics (formerly Invitae), Labcorp
Classification: Uncertain significance for Alstrom syndrome. Last evaluated: 2022-04-29. Review status: criteria provided, single submitter. Criteria: Invitae Variant Classification Sherloc (09022015). Collection method: clinical testing. Allele origin: germline.
Comment: This sequence change replaces glutamic acid, which is acidic and polar, with lysine, which is basic and polar, at codon 3232 of the ALMS1 protein (p.Glu3232Lys). This variant is present in population databases (no rsID available, gnomAD 0.003%). This variant has not been reported in the literature in individuals affected with ALMS1-related conditions. Experimental studies and prediction algorithms are not available or were not evaluated, and the functional significance of this variant is currently unknown. In summary, the available evidence is currently insufficient to determine the role of this variant in disease. Therefore, it has been classified as a Variant of Uncertain Significance.

NM_001378454.1(ALMS1):c.9691G>A (p.Glu3231Lys)

Gene: ALMS1 (ALMS1 centrosome and basal body associated protein; plus strand). Cytogenetic location: 2p13.1.
Variant type: single nucleotide variant.
Coding change: c.9691G>A on transcript NM_001378454.1 (MANE Select); coding-DNA position 9691, G replaced by A.
Protein change: p.Glu3231Lys; replaces glutamic acid 3231 with lysine.
Molecular consequence: missense variant.
Genome position (GRCh38, 1-based): chr2:73,519,926, G>A. VCF-style: chr2-73519926-G-A. GRCh37 (hg19) VCF-style: chr2-73747053-G-A.
Other names: c.9694G>A, p.Glu3232Lys (NM_015120.4); short protein forms E3232K, E3231K.
Identifiers: ClinVar variation 2187618 (VCV002187618.1), dbSNP rs1289269944, ClinGen allele CA347281274.
Genomic context (GRCh38, chr2:73,519,926, plus strand): 5'-AAGACCCTATTTTCATCTGAGATTTTTATTAATGCTGAAGATCGTGGACATGAAATTATA[G>A]AGCCTGGTAACCAGAAGCTACGCAAAGCTCCTGTCAAGTTTGCCTCATCATCTTCAGTCC-3'
Protein context (NP_001365383.1, residues 3221-3241): NAEDRGHEII[Glu3231Lys]PGNQKLRKAP